The following is an entry in ClinVar:

ClinVar aggregate classification (germline): Uncertain significance (1 of 4 stars; one submission).

Allele frequency attached by ClinVar (database versions not stated): gnomAD exomes below 0.00001 and 0.00001; gnomAD 0.00001; TOPMed 0.00002.
gnomAD v4.1: 5 of 1,614,020 alleles (0.00031%); highest among the groups gnomAD compares: Admixed American, 0.005%; no homozygotes.

Submission:

Genetic Services Laboratory, University of Chicago
Classification: Uncertain significance. Last evaluated: 2020-08-07. Review status: criteria provided, single submitter. Criteria: ACMG Guidelines, 2015. Collection method: clinical testing. Allele origin: germline. Affected: no.
Comment: DNA sequence analysis of the CEL gene demonstrated a sequence change, c.187A>G, in exon 2 that results in an amino acid change, p.Lys63Glu. This sequence change does not appear to have been previously described in patients with CEL-related disorders and has been described in the gnomAD database with an overall low population frequency of 0.00080% (dbSNP rs1433124386). The p.Lys63Glu change affects a highly conserved amino acid residue located in a domain of the CEL protein that is known to be functional. In-silico pathogenicity prediction tools (SIFT, PolyPhen2, Align GVGD, REVEL) provide contradictory results for the p.Lys63Glu substitution. Due to these contrasting evidences and the lack of functional studies, the clinical significance of the p.Lys63Glu change remains unknown at this time.

NM_001807.6(CEL):c.178A>G (p.Lys60Glu)

Gene: CEL (carboxyl ester lipase; plus strand). Cytogenetic location: 9q34.13.
Variant type: single nucleotide variant.
Coding change: c.178A>G on transcript NM_001807.6 (MANE Select); coding-DNA position 178, A replaced by G.
Protein change: p.Lys60Glu; replaces lysine 60 with glutamic acid.
Molecular consequence: missense variant.
Genome position (GRCh38, 1-based): chr9:133,064,515, A>G. VCF-style: chr9-133064515-A-G. GRCh37 (hg19) VCF-style: chr9-135939902-A-G.
Other names: short protein forms K60E.
Identifiers: ClinVar variation 1338603 (VCV001338603.4), dbSNP rs1433124386, ClinGen allele CA375391029.